The following is an entry in ClinVar:

ClinVar aggregate classification (germline): Uncertain significance (1 of 4 stars; one submission).

Conditions:
Peroxisome biogenesis disorder. Identifiers: Orphanet 79189, MedGen C1832200, MONDO:0019234. Disease mechanism: loss of function.

gnomAD v4.1: 2 of 1,607,654 alleles (0.00012%); no homozygotes.

Submission:

Labcorp Genetics (formerly Invitae), Labcorp
Classification: Uncertain significance for Peroxisome biogenesis disorder. Last evaluated: 2025-11-03. Review status: criteria provided, single submitter. Criteria: Invitae Variant Classification Sherloc (09022015). Collection method: clinical testing. Allele origin: germline.
Comment: This sequence change replaces histidine, which is basic and polar, with arginine, which is basic and polar, at codon 185 of the PEX16 protein (p.His185Arg). This variant is not present in population databases (gnomAD no frequency). This variant has not been reported in the literature in individuals affected with PEX16-related conditions. ClinVar contains an entry for this variant (Variation ID: 1023659). Invitae Evidence Modeling of protein sequence and biophysical properties (such as structural, functional, and spatial information, amino acid conservation, physicochemical variation, residue mobility, and thermodynamic stability) indicates that this missense variant is not expected to disrupt PEX16 protein function with a negative predictive value of 80%. In summary, the available evidence is currently insufficient to determine the role of this variant in disease. Therefore, it has been classified as a Variant of Uncertain Significance.

NM_004813.4(PEX16):c.554A>G (p.His185Arg)

Gene: PEX16 (peroxisomal biogenesis factor 16; minus strand). Cytogenetic location: 11p11.2.
Variant type: single nucleotide variant.
Coding change: c.554A>G on transcript NM_004813.4 (MANE Select); coding-DNA position 554, A replaced by G.
Protein change: p.His185Arg; replaces histidine 185 with arginine.
Molecular consequence: missense variant.
Genome position (GRCh38, 1-based): chr11:45,914,456, T>C on the plus strand (A>G on the coding strand, the complement: PEX16 is on the minus strand). VCF-style: chr11-45914456-T-C. GRCh37 (hg19) VCF-style: chr11-45936007-T-C.
Other names: c.554A>G, p.His185Arg (NM_057174.3); short protein forms H185R.
Identifiers: ClinVar variation 1023659 (VCV001023659.11), dbSNP rs751814237, ClinGen allele CA380227182.